The following is an entry in ClinVar:

ClinVar aggregate classification (germline): Uncertain significance (1 of 4 stars; one submission).

Conditions:
DICER1-related tumor predisposition. Also called: DICER1 syndrome; DICER1-related pleuropulmonary blastoma cancer predisposition syndrome. Identifiers: Orphanet 284343, MedGen C3839822, MONDO:0100216.

Submission:

Labcorp Genetics (formerly Invitae), Labcorp
Classification: Uncertain significance for DICER1-related tumor predisposition. Last evaluated: 2018-08-06. Review status: criteria provided, single submitter. Criteria: Invitae Variant Classification Sherloc (09022015). Collection method: clinical testing. Allele origin: germline.
Comment: This sequence change replaces lysine with arginine at codon 1866 of the DICER1 protein (p.Lys1866Arg). The lysine residue is highly conserved and there is a small physicochemical difference between lysine and arginine. This variant is not present in population databases (ExAC no frequency). This variant has not been reported in the literature in individuals with DICER1-related disease. Algorithms developed to predict the effect of missense changes on protein structure and function are either unavailable or do not agree on the potential impact of this missense change (SIFT: "Tolerated"; PolyPhen-2: "Possibly Damaging"; Align-GVGD: "Class C0"). In summary, the available evidence is currently insufficient to determine the role of this variant in disease. Therefore, it has been classified as a Variant of Uncertain Significance.

NM_177438.3(DICER1):c.5597A>G (p.Lys1866Arg)

Gene: DICER1 (dicer 1, ribonuclease III; minus strand). Cytogenetic location: 14q32.13.
Variant type: single nucleotide variant.
Coding change: c.5597A>G on transcript NM_177438.3 (MANE Select); coding-DNA position 5597, A replaced by G.
Protein change: p.Lys1866Arg; replaces lysine 1866 with arginine.
Molecular consequence: missense variant.
Genome position (GRCh38, 1-based): chr14:95,091,040, T>C on the plus strand (A>G on the coding strand, the complement: DICER1 is on the minus strand). VCF-style: chr14-95091040-T-C. GRCh37 (hg19) VCF-style: chr14-95557377-T-C.
Other names: c.5434A>G, p.Asn1812Asp (NM_001195573.1); c.5597A>G, p.Lys1866Arg (NM_001271282.3, NM_001291628.2, NM_030621.4); short protein forms N1812D, K1866R.
Identifiers: ClinVar variation 640106 (VCV000640106.10), dbSNP rs1595312775, ClinGen allele CA390864039.